The following is an entry in ClinVar:

ClinVar aggregate classification (germline): Uncertain significance (1 of 4 stars; one submission).

Submission:

Labcorp Genetics (formerly Invitae), Labcorp
Classification: Uncertain significance. Last evaluated: 2024-09-19. Review status: criteria provided, single submitter. Criteria: Invitae Variant Classification Sherloc (09022015). Collection method: clinical testing. Allele origin: germline.
Comment: This sequence change replaces asparagine, which is neutral and polar, with aspartic acid, which is acidic and polar, at codon 393 of the ARIH1 protein (p.Asn393Asp). This variant is not present in population databases (gnomAD no frequency). This variant has not been reported in the literature in individuals affected with ARIH1-related conditions. An algorithm developed to predict the effect of missense changes on protein structure and function (PolyPhen-2) suggests that this variant is likely to be tolerated. In summary, the available evidence is currently insufficient to determine the role of this variant in disease. Therefore, it has been classified as a Variant of Uncertain Significance.

NM_005744.5(ARIH1):c.1177A>G (p.Asn393Asp)

Gene: ARIH1 (ariadne RBR E3 ubiquitin protein ligase 1; plus strand). Cytogenetic location: 15q24.1.
Variant type: single nucleotide variant.
Coding change: c.1177A>G on transcript NM_005744.5 (MANE Select); coding-DNA position 1177, A replaced by G.
Protein change: p.Asn393Asp; replaces asparagine 393 with aspartic acid.
Molecular consequence: missense variant.
Genome position (GRCh38, 1-based): chr15:72,572,127, A>G. VCF-style: chr15-72572127-A-G. GRCh37 (hg19) VCF-style: chr15-72864468-A-G.
Other names: short protein forms N393D.
Identifiers: ClinVar variation 3720070 (VCV003720070.2).
Genomic context (GRCh38, chr15:72,572,127, plus strand): 5'-ATTTTTTTTTTCTTTATGGAATCCTCTTTATTTACTTGAAGGTACAACTGTAACCGCTAT[A>G]ATGAGGATGATGCAAAGGCAGCAAGAGATGCACAGGAGGTAAGTATATGTATAACAGGAC-3'
Protein context (NP_005735.2, residues 383-403): GSAWYNCNRY[Asn393Asp]EDDAKAARDA